The following is an entry in ClinVar:

NM_015311.3(OBSL1):c.3117G>T (p.Arg1039Ser)

Gene: OBSL1 (obscurin like cytoskeletal adaptor 1; minus strand). Cytogenetic location: 2q35.
Variant type: single nucleotide variant.
Coding change: c.3117G>T on transcript NM_015311.3 (MANE Select); coding-DNA position 3117, G replaced by T.
Protein change: p.Arg1039Ser; replaces arginine 1039 with serine.
Molecular consequence: missense variant.
Genome position (GRCh38, 1-based): chr2:219,559,334, C>A on the plus strand (G>T on the coding strand, the complement: OBSL1 is on the minus strand). VCF-style: chr2-219559334-C-A. GRCh37 (hg19) VCF-style: chr2-220424056-C-A.
Other names: c.3117G>T, p.Arg1039Ser (NM_001173431.2); short protein forms R1039S.
Identifiers: ClinVar variation 2183125 (VCV002183125.4), dbSNP rs372784210, ClinGen allele CA2130961.

ClinVar aggregate classification (germline): Uncertain significance. Review status: criteria provided, multiple submitters, no conflicts (2 of 4 stars). 2 submissions from 2 submitters: Uncertain significance (2). Last evaluated 2026-02-17.

Allele frequency attached by ClinVar (database versions not stated): ExAC 0.00007; ESP Exome Variant Server 0.00008; gnomAD 0.00015; TOPMed 0.00015; 1000 Genomes Project 30x 0.00016; 1000 Genomes Project 0.00020.

Submissions (2):

Women's Health and Genetics/Laboratory Corporation of America, LabCorp
Classification: Uncertain significance. Last evaluated: 2026-02-17. Review status: criteria provided, single submitter. Criteria: LabCorp Variant Classification Summary - May 2015. Collection method: clinical testing. Allele origin: germline.
Comment: Variant summary: OBSL1 c.3117G>T (p.Arg1039Ser) results in a non-conservative amino acid change in the encoded protein sequence. Algorithms developed to predict the effect of missense changes on protein structure and function are either unavailable or do not agree on the potential impact of this missense change. The variant allele was found at a frequency of 6.4e-05 in 249222 control chromosomes. This frequency is not significantly higher than estimated for disease-causing variants in OBSL1, allowing no conclusion about variant significance. To our knowledge, no occurrence of c.3117G>T in individuals affected with OBSL1-related conditions and no experimental evidence demonstrating its impact on protein function have been reported. ClinVar contains an entry for this variant (Variation ID: 2183125). Based on the evidence outlined above, the variant was classified as uncertain significance.

Labcorp Genetics (formerly Invitae), Labcorp
Classification: Uncertain significance. Last evaluated: 2024-06-17. Review status: criteria provided, single submitter. Criteria: Invitae Variant Classification Sherloc (09022015). Collection method: clinical testing. Allele origin: germline.
Comment: This sequence change replaces arginine, which is basic and polar, with serine, which is neutral and polar, at codon 1039 of the OBSL1 protein (p.Arg1039Ser). This variant is present in population databases (rs372784210, gnomAD 0.05%). This variant has not been reported in the literature in individuals affected with OBSL1-related conditions. ClinVar contains an entry for this variant (Variation ID: 2183125). Algorithms developed to predict the effect of missense changes on protein structure and function output the following: SIFT: "Not Available"; PolyPhen-2: "Benign"; Align-GVGD: "Not Available". The serine amino acid residue is found in multiple mammalian species, which suggests that this missense change does not adversely affect protein function. In summary, the available evidence is currently insufficient to determine the role of this variant in disease. Therefore, it has been classified as a Variant of Uncertain Significance.